The following is an entry in ClinVar:

ClinVar aggregate classification (germline): Uncertain significance (1 of 4 stars; one submission).

Conditions:
Propionic acidemia (PROP). Also called: GLYCINEMIA, KETOTIC; HYPERGLYCINEMIA WITH KETOACIDOSIS AND LEUKOPENIA; KETOTIC HYPERGLYCINEMIA. Identifiers: Orphanet 35, MedGen C0268579, MONDO:0011628, OMIM 606054, HP:0003571.

Allele frequency attached by ClinVar (database versions not stated): gnomAD exomes below 0.00001; gnomAD 0.00003; TOPMed 0.00006.
gnomAD v4.1: 6 of 1,612,108 alleles (0.00037%); highest among the groups gnomAD compares: African/African-American, 0.008%; no homozygotes.

Submission:

Labcorp Genetics (formerly Invitae), Labcorp
Classification: Uncertain significance for Propionic acidemia. Last evaluated: 2025-07-28. Review status: criteria provided, single submitter. Criteria: Invitae Variant Classification Sherloc (09022015). Collection method: clinical testing. Allele origin: germline.
Comment: This sequence change replaces cysteine, which is neutral and slightly polar, with arginine, which is basic and polar, at codon 44 of the PCCA protein (p.Cys44Arg). This variant is present in population databases (no rsID available, gnomAD 0.008%). This variant has not been reported in the literature in individuals affected with PCCA-related conditions. ClinVar contains an entry for this variant (Variation ID: 1448201). Invitae Evidence Modeling of protein sequence and biophysical properties (such as structural, functional, and spatial information, amino acid conservation, physicochemical variation, residue mobility, and thermodynamic stability) indicates that this missense variant is not expected to disrupt PCCA protein function with a negative predictive value of 95%. In summary, the available evidence is currently insufficient to determine the role of this variant in disease. Therefore, it has been classified as a Variant of Uncertain Significance.

NM_000282.4(PCCA):c.130T>C (p.Cys44Arg)

Gene: PCCA (propionyl-CoA carboxylase subunit alpha; plus strand). Cytogenetic location: 13q32.3.
Variant type: single nucleotide variant.
Coding change: c.130T>C on transcript NM_000282.4 (MANE Select); coding-DNA position 130, T replaced by C.
Protein change: p.Cys44Arg; replaces cysteine 44 with arginine.
Molecular consequence: missense variant. On other transcripts: 5 prime UTR variant (3), non-coding transcript variant (4), intron variant (3).
Genome position (GRCh38, 1-based): chr13:100,102,907, T>C. VCF-style: chr13-100102907-T-C. GRCh37 (hg19) VCF-style: chr13-100755161-T-C.
Other names: c.130T>C, p.Cys44Arg (NM_001178004.2, NM_001352605.2, NM_001352606.2 and 1 more transcripts); c.-737T>C (NM_001352610.2, NM_001352611.2, NM_001352612.2); c.106-8934T>C (NM_001127692.3, NM_001352607.2, NM_001352608.2); short protein forms C44R.
Identifiers: ClinVar variation 1448201 (VCV001448201.6), dbSNP rs905391740, ClinGen allele CA255964902.